The following is an entry in ClinVar:

ClinVar aggregate classification (germline): Uncertain significance. Review status: criteria provided, multiple submitters, no conflicts (2 of 4 stars). 2 submissions from 2 submitters: Uncertain significance (2). Last evaluated 2022-08-09.

Conditions:
Hereditary cancer-predisposing syndrome. Also called: Neoplastic Syndromes, Hereditary; Tumor predisposition; Hereditary Cancer Syndrome; Hereditary neoplastic syndrome. Identifiers: Orphanet 140162, MedGen C0027672, MeSH D009386, MONDO:0015356.

Submissions (2):

Labcorp Genetics (formerly Invitae), Labcorp
Classification: Uncertain significance. Last evaluated: 2022-08-09. Review status: criteria provided, single submitter. Criteria: Invitae Variant Classification Sherloc (09022015). Collection method: clinical testing. Allele origin: germline.
Comment: This sequence change replaces lysine, which is basic and polar, with arginine, which is basic and polar, at codon 374 of the CTNNA1 protein (p.Lys374Arg). This variant is not present in population databases (gnomAD no frequency). This variant has not been reported in the literature in individuals affected with CTNNA1-related conditions. Algorithms developed to predict the effect of missense changes on protein structure and function are either unavailable or do not agree on the potential impact of this missense change (SIFT: "Deleterious"; PolyPhen-2: "Possibly Damaging"; Align-GVGD: "Class C0"). In summary, the available evidence is currently insufficient to determine the role of this variant in disease. Therefore, it has been classified as a Variant of Uncertain Significance.

Ambry Genetics
Classification: Uncertain significance for Hereditary cancer-predisposing syndrome. Last evaluated: 2022-02-05. Review status: criteria provided, single submitter. Criteria: Ambry Variant Classification Scheme 2023. Collection method: clinical testing. Allele origin: germline.
Comment: The p.K374R variant (also known as c.1121A>G), located in coding exon 7 of the CTNNA1 gene, results from an A to G substitution at nucleotide position 1121. The lysine at codon 374 is replaced by arginine, an amino acid with highly similar properties. This amino acid position is conserved. In addition, the in silico prediction for this alteration is inconclusive. Since supporting evidence is limited at this time, the clinical significance of this alteration remains unclear.

NM_001903.5(CTNNA1):c.1121A>G (p.Lys374Arg)

Gene: CTNNA1 (catenin alpha 1; plus strand). Cytogenetic location: 5q31.2.
Variant type: single nucleotide variant.
Coding change: c.1121A>G on transcript NM_001903.5 (MANE Select); coding-DNA position 1121, A replaced by G.
Protein change: p.Lys374Arg; replaces lysine 374 with arginine.
Molecular consequence: missense variant. On other transcripts: 5 prime UTR variant (5), intron variant (2).
Genome position (GRCh38, 1-based): chr5:138,886,270, A>G. VCF-style: chr5-138886270-A-G. GRCh37 (hg19) VCF-style: chr5-138221959-A-G.
Other names: c.1121A>G, p.Lys374Arg (NM_001290307.3, NM_001323982.2, NM_001323983.1 and 3 more transcripts); c.812A>G, p.Lys271Arg (NM_001290309.3); c.752A>G, p.Lys251Arg (NM_001290310.3); c.11A>G, p.Lys4Arg (NM_001290312.1, NM_001323987.1, NM_001323988.1 and 18 more transcripts); c.-387A>G (NM_001324006.1, NM_001324007.1, NM_001324008.1 and 1 more transcripts); c.-262A>G (NM_001324013.1); c.-58+10673A>G (NM_001324012.1); c.-61+10673A>G (NM_001324010.1); short protein forms K374R, K251R, K4R, K271R.
Identifiers: ClinVar variation 1797831 (VCV001797831.7), dbSNP rs2532981629, ClinGen allele CA361132602.